The following is an entry in ClinVar:

NM_001375524.1(TRRAP):c.10667_10668del (p.Glu3556fs)

Gene: TRRAP (transformation/transcription domain associated protein; plus strand). Cytogenetic location: 7q22.1.
Variant type: Microsatellite.
Coding change: c.10667_10668del on transcript NM_001375524.1 (MANE Select); coding-DNA positions 10667 to 10668, 2 bases deleted (AG; older notation c.10667_10668delAG).
Protein change: p.Glu3556fs; shifts the reading frame from glutamic acid 3556.
Molecular consequence: frameshift variant.
Genome position (GRCh38, 1-based): chr7:99,005,262-99,005,263, AG deleted; deleting any 2 consecutive bases within chr7:99,005,259-99,005,263 gives the same sequence; the c. name uses the placement nearest the transcript's 3' end. VCF-style (leftmost placement, unchanged base first): chr7-99005258-CGA-C. GRCh37 (hg19) VCF-style: chr7-98602881-CGA-C.
Other names: c.10625_10626del, p.Glu3542fs (NM_001244580.2); c.10538_10539del, p.Glu3513fs (NM_003496.4); short protein forms E3513fs, E3542fs, E3556fs.
Identifiers: ClinVar variation 1804746 (VCV001804746.1), dbSNP rs2485060166, ClinGen allele CA2580615950.

ClinVar aggregate classification (germline): Uncertain significance (1 of 4 stars; one submission).

Submission:

Women's Health and Genetics/Laboratory Corporation of America, LabCorp
Classification: Uncertain significance. Last evaluated: 2022-11-21. Review status: criteria provided, single submitter. Criteria: LabCorp Variant Classification Summary - May 2015. Collection method: clinical testing. Allele origin: germline.
Comment: Variant summary: TRRAP c.10538_10539delAG (p.Glu3513GlyfsX67) results in a premature termination codon, predicted to cause a truncation of the encoded protein or absence of the protein due to nonsense mediated decay, which are commonly known mechanisms for disease. Truncations downstream of this position have been classified as pathogenic by our laboratory. The variant was absent in 251384 control chromosomes. The available data on variant occurrences in the general population are insufficient to allow any conclusion about variant significance. To our knowledge, no occurrence of c.10538_10539delAG in individuals affected with Developmental Delay With Or Without Dysmorphic Facies And Autism and no experimental evidence demonstrating its impact on protein function have been reported. No clinical diagnostic laboratories have submitted clinical-significance assessments for this variant to ClinVar after 2014. Based on the evidence outlined above, the variant was classified as uncertain significance.